The following is an entry in ClinVar:

NM_004606.5(TAF1):c.754G>A (p.Val252Ile)

Gene: TAF1 (TATA-box binding protein associated factor 1; plus strand). Cytogenetic location: Xq13.1.
Variant type: single nucleotide variant.
Coding change: c.754G>A on transcript NM_004606.5 (MANE Select); coding-DNA position 754, G replaced by A.
Protein change: p.Val252Ile; replaces valine 252 with isoleucine.
Molecular consequence: missense variant. On other transcripts: non-coding transcript variant (9).
Genome position (GRCh38, 1-based): chrX:71,377,642, G>A. VCF-style: chrX-71377642-G-A. GRCh37 (hg19) VCF-style: chrX-70597492-G-A.
Other names: c.754G>A, p.Val252Ile (NM_001286074.2, NM_001440852.1, NM_001440853.1); c.691G>A, p.Val231Ile (NM_001440854.1, NM_138923.4); short protein forms V231I, V252I.
Identifiers: ClinVar variation 4752494 (VCV004752494.1).

ClinVar aggregate classification (germline): Uncertain significance (1 of 4 stars; one submission).

Submission:

Labcorp Genetics (formerly Invitae), Labcorp
Classification: Uncertain significance. Last evaluated: 2025-11-22. Review status: criteria provided, single submitter. Criteria: Invitae Variant Classification Sherloc (09022015). Collection method: clinical testing. Allele origin: germline.
Comment: This sequence change replaces valine, which is neutral and non-polar, with isoleucine, which is neutral and non-polar, at codon 272 of the TAF1 protein (p.Val272Ile). This variant is not present in population databases (gnomAD no frequency). This variant has not been reported in the literature in individuals affected with TAF1-related conditions. Invitae Evidence Modeling of protein sequence and biophysical properties (such as structural, functional, and spatial information, amino acid conservation, physicochemical variation, residue mobility, and thermodynamic stability) indicates that this missense variant is not expected to disrupt TAF1 protein function with a negative predictive value of 80%. In summary, the available evidence is currently insufficient to determine the role of this variant in disease. Therefore, it has been classified as a Variant of Uncertain Significance.